The following is an entry in ClinVar:

ClinVar aggregate classification (germline): Uncertain significance (1 of 4 stars; one submission).

Submission:

Labcorp Genetics (formerly Invitae), Labcorp
Classification: Uncertain significance. Last evaluated: 2020-05-28. Review status: criteria provided, single submitter. Criteria: Invitae Variant Classification Sherloc (09022015). Collection method: clinical testing. Allele origin: germline.
Comment: Algorithms developed to predict the effect of sequence changes on RNA splicing suggest that this variant may disrupt the consensus splice site, but this prediction has not been confirmed by published transcriptional studies. This variant has not been reported in the literature in individuals with POLE-related conditions. This variant is not present in population databases (ExAC no frequency). This sequence change falls in intron 15 of the POLE gene. It does not directly change the encoded amino acid sequence of the POLE protein. In summary, the available evidence is currently insufficient to determine the role of this variant in disease. Therefore, it has been classified as a Variant of Uncertain Significance.

NM_006231.4(POLE):c.1687-7_1694dup

Gene: POLE (DNA polymerase epsilon, catalytic subunit; minus strand). Cytogenetic location: 12q24.33.
Variant type: Duplication.
Coding change: c.1687-7_1694dup on transcript NM_006231.4 (MANE Select); 7 bases into the intron before coding-DNA position 1687 through coding-DNA position 1694, 15 bases duplicated (GTGCTAGAATCCTGC).
Molecular consequence: splice acceptor variant.
Genome position (GRCh38, 1-based): chr12:132,672,315-132,672,329, GCAGGATTCTAGCAC duplicated on the plus strand (GTGCTAGAATCCTGC on the coding strand, the reverse complement: POLE is on the minus strand). VCF-style (leftmost placement, unchanged base first): chr12-132672314-G-GGCAGGATTCTAGCAC. GRCh37 (hg19) VCF-style: chr12-133248900-G-GGCAGGATTCTAGCAC.
Identifiers: ClinVar variation 1014371 (VCV001014371.7), dbSNP rs2042947274, ClinGen allele CA2073001116.